The following is an entry in ClinVar:

NM_152393.4(KLHL40):c.1313+7A>G

Gene: KLHL40 (kelch like family member 40; plus strand). Cytogenetic location: 3p22.1.
Variant type: single nucleotide variant.
Coding change: c.1313+7A>G on transcript NM_152393.4 (MANE Select); 7 bases into the intron after coding-DNA position 1313, A replaced by G.
Molecular consequence: intron variant.
Genome position (GRCh38, 1-based): chr3:42,688,309, A>G. VCF-style: chr3-42688309-A-G. GRCh37 (hg19) VCF-style: chr3-42729801-A-G.
Identifiers: ClinVar variation 387671 (VCV000387671.13), dbSNP rs185171192, ClinGen allele CA2336889.
Genomic context (GRCh38, chr3:42,688,309, plus strand): 5'-AGAGATCAAGGACGGCGAGCGCTGCCTGGACTCGGTCATGTGCTACGACAGGCTGTGAGC[A>G]TGGCTGGGGTGGGGCTGAGCTCCGTGGGGGTGAGTGGGGCATGGAGGCCGCAGCTGGTCT-3'

ClinVar aggregate classification (germline): Benign/Likely benign. Review status: criteria provided, multiple submitters, no conflicts (2 of 4 stars). 3 submissions from 3 submitters: Benign (1); Likely benign (1). 1 of the submissions does not count toward it. Last evaluated 2026-01-27.

Conditions:
KLHL40-related disorder. Also called: KLHL40-related condition.
Nemaline myopathy 8 (NEM8). Also called: Nemaline myopathy 8, autosomal recessive. Identifiers: Orphanet 171430, MedGen C3809209, MONDO:0014138, OMIM 615348.

Allele frequency attached by ClinVar (database versions not stated): gnomAD exomes 0.00061 and 0.00023; ExAC 0.00084; 1000 Genomes Project 0.00200; gnomAD 0.00245 and 0.00259; 1000 Genomes Project 30x 0.00250; TOPMed 0.00281; ESP Exome Variant Server 0.00323.
gnomAD v4.1: 727 of 1,610,830 alleles (0.045%); highest among the groups gnomAD compares: African/African-American, 0.87%; 2 homozygotes.

Submissions (3):

Labcorp Genetics (formerly Invitae), Labcorp
Classification: Benign for Nemaline myopathy 8. Last evaluated: 2026-01-27. Review status: criteria provided, single submitter. Criteria: Invitae Variant Classification Sherloc (09022015). Collection method: clinical testing. Allele origin: germline.

GeneDx
Classification: Likely benign. Last evaluated: 2018-02-01. Review status: criteria provided, single submitter. Criteria: GeneDx Variant Classification (06012015). Collection method: clinical testing. Allele origin: germline. Affected: yes.
Comment: This variant is considered likely benign or benign based on one or more of the following criteria: it is a conservative change, it occurs at a poorly conserved position in the protein, it is predicted to be benign by multiple in silico algorithms, and/or has population frequency not consistent with disease.

PreventionGenetics, part of Exact Sciences
Classification: Benign for KLHL40-related condition. Last evaluated: 2023-05-22. Review status: no assertion criteria provided. Collection method: clinical testing. Allele origin: germline. Not counted in ClinVar's aggregate classification.
Comment: This variant is classified as benign based on ACMG/AMP sequence variant interpretation guidelines (Richards et al. 2015 PMID: 25741868, with internal and published modifications).